The following is an entry in ClinVar:

NM_020937.4(FANCM):c.3504T>G (p.Ser1168Arg)

Gene: FANCM (FA complementation group M; plus strand). Cytogenetic location: 14q21.2.
Variant type: single nucleotide variant.
Coding change: c.3504T>G on transcript NM_020937.4 (MANE Select); coding-DNA position 3504, T replaced by G.
Protein change: p.Ser1168Arg; replaces serine 1168 with arginine.
Molecular consequence: missense variant.
Genome position (GRCh38, 1-based): chr14:45,176,258, T>G. VCF-style: chr14-45176258-T-G. GRCh37 (hg19) VCF-style: chr14-45645461-T-G.
Other names: c.3426T>G, p.Ser1142Arg (NM_001308133.2); c.3504T>G (NM_020937.2); short protein forms S1168R, S1142R.
Identifiers: ClinVar variation 1359966 (VCV001359966.9), dbSNP rs2139249069, ClinGen allele CA389601825.

ClinVar aggregate classification (germline): Uncertain significance. Review status: criteria provided, multiple submitters, no conflicts (2 of 4 stars). 3 submissions from 3 submitters: Uncertain significance (3). Last evaluated 2025-11-11.

Conditions:
Inborn genetic diseases. Identifiers: MedGen C0950123, MeSH D030342.
Premature ovarian failure 15. Identifiers: MedGen C4748170, MONDO:0054862, OMIM 618096.
Fanconi anemia (FA). Also called: Fanconi's anemia. Identifiers: Orphanet 84, MedGen C0015625, MeSH D005199, MONDO:0019391.

Submissions (3):

Ambry Genetics
Classification: Uncertain significance for Inborn genetic diseases. Last evaluated: 2025-11-11. Review status: criteria provided, single submitter. Criteria: Ambry Variant Classification Scheme 2023. Collection method: clinical testing. Allele origin: germline.
Comment: The p.S1168R variant (also known as c.3504T>G), located in coding exon 14 of the FANCM gene, results from a T to G substitution at nucleotide position 3504. The serine at codon 1168 is replaced by arginine, an amino acid with dissimilar properties. This amino acid position is conserved. In addition, this alteration is predicted to be tolerated by in silico analysis. Based on the available evidence, the clinical significance of this variant remains unclear.

Neuberg Centre For Genomic Medicine, NCGM
Classification: Uncertain significance for Premature ovarian failure 15. Last evaluated: 2023-06-22. Review status: criteria provided, single submitter. Criteria: ACMG Guidelines, 2015. Collection method: clinical testing. Allele origin: germline. Inheritance: Autosomal dominant inheritance. Affected: yes.
Comment: The missense variant c.3504T>G (p.Ser1168Arg) in FANCM gene has not been reported previously as a pathogenic variant nor as a benign variant, to our knowledge. The p.Ser1168Arg variant is absent in gnomAD exomes database. This variant has been submitted to the ClinVar database as Uncertain Significance. Multiple lines of computational evidence (Polyphen - Benign, SIFT - Tolerated and MutationTaster - Polymorphism) predict no damaging effect on protein structure and function for this variant. The reference amino acid at this position on FANCM gene is predicted as conserved by GERP++ and PhyloP across 100 vertebrates. The amino acid Ser at position 1168 is changed to a Arg changing protein sequence and it might alter its composition and physicochemical properties. For these reasons, this variant has been classified as Uncertain Significance (VUS).

Labcorp Genetics (formerly Invitae), Labcorp
Classification: Uncertain significance for Fanconi anemia. Last evaluated: 2021-07-24. Review status: criteria provided, single submitter. Criteria: Invitae Variant Classification Sherloc (09022015). Collection method: clinical testing. Allele origin: germline.
Comment: In summary, the available evidence is currently insufficient to determine the role of this variant in disease. Therefore, it has been classified as a Variant of Uncertain Significance. Algorithms developed to predict the effect of missense changes on protein structure and function are either unavailable or do not agree on the potential impact of this missense change (SIFT: "Deleterious"; PolyPhen-2: "Benign"; Align-GVGD: "Class C0"). This variant has not been reported in the literature in individuals affected with FANCM-related conditions. This variant is not present in population databases (ExAC no frequency). This sequence change replaces serine with arginine at codon 1168 of the FANCM protein (p.Ser1168Arg). The serine residue is moderately conserved and there is a moderate physicochemical difference between serine and arginine.